The following is an entry in ClinVar:

ClinVar aggregate classification (germline): Benign (0 of 4 stars; one submission).

Conditions:
MUC16-related disorder. Also called: MUC16-related condition.

Allele frequency attached by ClinVar (database versions not stated): 1000 Genomes Project 30x 0.14819.

Submission:

PreventionGenetics, part of Exact Sciences
Classification: Benign for MUC16-related condition. Last evaluated: 2019-04-11. Review status: no assertion criteria provided. Collection method: clinical testing. Allele origin: germline.
Comment: This variant is classified as benign based on ACMG/AMP sequence variant interpretation guidelines (Richards et al. 2015 PMID: 25741868, with internal and published modifications).

NM_001401501.2(MUC16):c.44163T>C (p.Tyr14721=)

Gene: MUC16 (mucin 16, cell surface associated; minus strand). Cytogenetic location: 19p13.2.
Variant type: single nucleotide variant.
Coding change: c.44163T>C on transcript NM_001401501.2 (MANE Select); coding-DNA position 44163, T replaced by C.
Protein change: p.Tyr14721=; no amino-acid change (tyrosine 14721 retained).
Molecular consequence: synonymous variant.
Genome position (GRCh38, 1-based): chr19:8,882,776, A>G on the plus strand (T>C on the coding strand, the complement: MUC16 is on the minus strand). VCF-style: chr19-8882776-A-G. GRCh37 (hg19) VCF-style: chr19-8993452-A-G.
Other names: c.44589T>C, p.Tyr14863= (NM_001414686.1); c.44043T>C, p.Tyr14681= (NM_001414687.1); c.41637T>C, p.Tyr13879= (NM_024690.2).
Identifiers: ClinVar variation 3042258 (VCV003042258.2), dbSNP rs796306723, ClinGen allele CA305056004.
Genomic context (GRCh38, chr19:8,882,776, plus strand): 5'-CCTGTCCAGTGTGTAGGGGCCCAGCTCAGTGATGCTGTGGGTCAGCTGGCTCAGCTCCAA[A>G]TACAGCTGCTCTCTGTCCAGCCCAGGGCCTGTGGGGTCAGGGCGGTGGGTGCAGATGGCA-3'
Protein context (NP_001388430.1, residues 14711-14731): TGPGLDREQL[Tyr14721=]LELSQLTHSI